The following is an entry in ClinVar:

NM_000264.5(PTCH1):c.4160CTGGGC[3] (p.1387PG[3])

Gene: PTCH1 (patched 1; minus strand). Cytogenetic location: 9q22.32.
Variant type: Microsatellite.
Coding change: c.4160CTGGGC[3] on transcript NM_000264.5 (MANE Select); three copies in a row of the 6-base unit CTGGGC starting at c.4160; the reference has two copies in a row; one copy, 6 bases duplicated; also written c.4166_4171dup.
Protein change: p.1387PG[3].
Molecular consequence: inframe insertion. On other transcripts: non-coding transcript variant (1).
Genome position (GRCh38, 1-based): chr9:95,447,085-95,447,090, GCCCAG duplicated on the plus strand (CTGGGC on the coding strand, the reverse complement: PTCH1 is on the minus strand); duplicating any 6 consecutive bases within chr9:95,447,085-95,447,097 gives the same sequence; the position shown is the placement nearest the transcript's 3' end. VCF-style (leftmost placement, unchanged base first): chr9-95447084-C-CGCCCAG. GRCh37 (hg19) VCF-style: chr9-98209366-C-CGCCCAG.
Other names: c.3962CTGGGC[3], p.1321PG[3] (NM_001083602.3); c.4157CTGGGC[3], p.1386PG[3] (NM_001083603.3); c.3707CTGGGC[3], p.1236PG[3] (NM_001083604.3, NM_001083605.3, NM_001083606.3 and 1 more transcripts); c.4004CTGGGC[3], p.1335PG[3] (NM_001354918.2); c.4166_4171dup (NM_000264.5).
Identifiers: ClinVar variation 409149 (VCV000409149.11), dbSNP rs1060502272, ClinGen allele CA16612900.

ClinVar aggregate classification (germline): Uncertain significance. Review status: criteria provided, multiple submitters, no conflicts (2 of 4 stars). 3 submissions from 3 submitters: Uncertain significance (3). Last evaluated 2025-01-23.

Conditions:
Basal cell carcinoma, susceptibility to, 1. Also called: BCC1. Identifiers: MedGen C2751544, MONDO:0011556, OMIM 605462.
Hereditary cancer-predisposing syndrome. Also called: Hereditary neoplastic syndrome; Neoplastic Syndromes, Hereditary; Tumor predisposition; Hereditary Cancer Syndrome. Identifiers: Orphanet 140162, MedGen C0027672, MeSH D009386, MONDO:0015356.
Gorlin syndrome. Also called: Nevoid Basal Cell Carcinoma Syndrome; Basal cell nevus syndrome. Identifiers: Orphanet 377, MedGen C0004779, MONDO:0007187.

Submissions (3):

Labcorp Genetics (formerly Invitae), Labcorp
Classification: Uncertain significance for Gorlin syndrome. Last evaluated: 2025-01-23. Review status: criteria provided, single submitter. Criteria: Invitae Variant Classification Sherloc (09022015). Collection method: clinical testing. Allele origin: germline.
Comment: This variant, c.4166_4171dup, results in the insertion of 2 amino acid(s) of the PTCH1 protein (p.Pro1389_Gly1390dup), but otherwise preserves the integrity of the reading frame. This variant is not present in population databases (gnomAD no frequency). This variant has not been reported in the literature in individuals affected with PTCH1-related conditions. Experimental studies and prediction algorithms are not available or were not evaluated, and the functional significance of this variant is currently unknown. In summary, the available evidence is currently insufficient to determine the role of this variant in disease. Therefore, it has been classified as a Variant of Uncertain Significance.

Ambry Genetics
Classification: Uncertain significance for Hereditary cancer-predisposing syndrome. Last evaluated: 2024-05-02. Review status: criteria provided, single submitter. Criteria: Ambry Variant Classification Scheme 2023. Collection method: clinical testing. Allele origin: germline.
Comment: The c.4166_4171dupCTGGGC variant (also known as p.P1389_G1390dup), located in coding exon 23 of the PTCH1 gene, results from an in-frame duplication of CTGGGC at nucleotide positions 4166 to 4171. This results in the duplication of 2 extra residues (PG) between codons 1389 and 1390. This amino acid region is not well conserved in available vertebrate species. In addition, this alteration is predicted to be neutral by in silico analysis (Choi Y et al. PLoS ONE. 2012; 7(10):e46688). Based on the available evidence, the clinical significance of this variant remains unclear.

Baylor Genetics
Classification: Uncertain significance for Basal cell carcinoma, susceptibility to, 1. Last evaluated: 2023-05-31. Review status: criteria provided, single submitter. Criteria: ACMG Guidelines, 2015. Collection method: clinical testing. Allele origin: unknown.